The following is an entry in ClinVar:

NM_000059.4(BRCA2):c.3636T>C (p.Asn1212=)

Gene: BRCA2 (BRCA2 DNA repair associated; plus strand). Cytogenetic location: 13q13.1.
Variant type: single nucleotide variant.
Coding change: c.3636T>C on transcript NM_000059.4 (MANE Select); coding-DNA position 3636, T replaced by C.
Protein change: p.Asn1212=; no amino-acid change (asparagine 1212 retained).
Molecular consequence: synonymous variant.
Genome position (GRCh38, 1-based): chr13:32,337,991, T>C. VCF-style: chr13-32337991-T-C. GRCh37 (hg19) VCF-style: chr13-32912128-T-C.
Identifiers: ClinVar variation 495453 (VCV000495453.14), dbSNP rs1555283324, ClinGen allele CA483437653.
Genomic context (GRCh38, chr13:32,337,991, plus strand): 5'-TGCTGGCCTGTTGAAAAATGACTGTAACAAAAGTGCTTCTGGTTATTTAACAGATGAAAA[T>C]GAAGTGGGGTTTAGGGGCTTTTATTCTGCTCATGGCACAAAACTGAATGTTTCTACTGAA-3'
Protein context (NP_000050.3, residues 1202-1222): KSASGYLTDE[Asn1212=]EVGFRGFYSA

ClinVar aggregate classification (germline): Likely benign. Review status: criteria provided, multiple submitters, no conflicts (2 of 4 stars). 4 submissions from 4 submitters: Likely benign (4). Last evaluated 2024-11-06.

Conditions:
Hereditary breast ovarian cancer syndrome. Also called: Hereditary breast and/or ovarian cancer syndrome; BRCA1- and BRCA2-Associated Hereditary Breast and Ovarian Cancer; Breast and ovarian cancer; Hereditary breast and ovarian cancer; Hereditary breast and ovarian cancer syndrome; Hereditary breast and ovarian cancer syndrome (HBOC). Identifiers: Orphanet 145, MedGen C0677776, MeSH D061325, MONDO:0003582. Disease mechanism: loss of function.
Hereditary cancer-predisposing syndrome. Also called: Hereditary neoplastic syndrome; Tumor predisposition; Hereditary Cancer Syndrome; Neoplastic Syndromes, Hereditary. Identifiers: Orphanet 140162, MedGen C0027672, MeSH D009386, MONDO:0015356.

Allele frequency attached by ClinVar (database versions not stated): gnomAD 0.00001.
gnomAD v4.1: 1 of 1,613,424 alleles (0.000062%); highest among the groups gnomAD compares: African/African-American, 0.0013%; no homozygotes.

Submissions (4):

Ambry Genetics
Classification: Likely benign for Hereditary cancer-predisposing syndrome. Last evaluated: 2024-11-06. Review status: criteria provided, single submitter. Criteria: Ambry Variant Classification Scheme 2023. Collection method: clinical testing. Allele origin: germline.

Labcorp Genetics (formerly Invitae), Labcorp
Classification: Likely benign for Hereditary breast ovarian cancer syndrome. Last evaluated: 2022-04-29. Review status: criteria provided, single submitter. Criteria: Invitae Variant Classification Sherloc (09022015). Collection method: clinical testing. Allele origin: germline.

Women's Health and Genetics/Laboratory Corporation of America, LabCorp
Classification: Likely benign. Last evaluated: 2019-08-21. Review status: criteria provided, single submitter. Criteria: LabCorp Variant Classification Summary - May 2015. Collection method: clinical testing. Allele origin: germline.

GeneDx
Classification: Likely benign. Last evaluated: 2017-03-17. Review status: criteria provided, single submitter. Criteria: GeneDx Variant Classification (06012015). Collection method: clinical testing. Allele origin: germline. Affected: yes.
Comment: This variant is considered likely benign or benign based on one or more of the following criteria: it is a conservative change, it occurs at a poorly conserved position in the protein, it is predicted to be benign by multiple in silico algorithms, and/or has population frequency not consistent with disease.